The following is an entry in ClinVar:

NM_001365276.2(TNXB):c.9745G>A (p.Val3249Met)

Gene: TNXB (tenascin XB; minus strand). Cytogenetic location: 6p21.33.
Variant type: single nucleotide variant.
Coding change: c.9745G>A on transcript NM_001365276.2 (MANE Select); coding-DNA position 9745, G replaced by A.
Protein change: p.Val3249Met; replaces valine 3249 with methionine.
Molecular consequence: missense variant.
Genome position (GRCh38, 1-based): chr6:32,049,282, C>T on the plus strand (G>A on the coding strand, the complement: TNXB is on the minus strand). VCF-style: chr6-32049282-C-T. GRCh37 (hg19) VCF-style: chr6-32017059-C-T.
Other names: c.9739G>A, p.Val3247Met (NM_019105.8); short protein forms V3247M, V3249M.
Identifiers: ClinVar variation 1302872 (VCV001302872.9), dbSNP rs376344484, ClinGen allele CA3733424.

ClinVar aggregate classification (germline): Conflicting classifications of pathogenicity. Review status: criteria provided, conflicting classifications (1 of 4 stars). 3 submissions from 3 submitters: Uncertain significance (2); Likely benign (1). Last evaluated 2026-02-23.

Conditions:
Cardiovascular phenotype. Identifiers: MedGen CN230736.

Allele frequency attached by ClinVar (database versions not stated): gnomAD 0.00002; gnomAD exomes 0.00002 and 0.00005; ExAC 0.00004; TOPMed 0.00005; ESP Exome Variant Server 0.00013.
gnomAD v4.1: 28 of 1,610,766 alleles (0.0017%); highest among the groups gnomAD compares: Admixed American, 0.013%; no homozygotes.

Submissions (3):

Women's Health and Genetics/Laboratory Corporation of America, LabCorp
Classification: Uncertain significance. Last evaluated: 2026-02-23. Review status: criteria provided, single submitter. Criteria: LabCorp Variant Classification Summary - May 2015. Collection method: clinical testing. Allele origin: germline.
Comment: Variant summary: TNXB c.9739G>A (p.Val3247Met) results in a conservative amino acid change in the encoded protein sequence. Algorithms developed to predict the effect of missense changes on protein structure and function all suggest that this variant is likely to be tolerated. The variant allele was found at a frequency of 4.9e-05 in 244374 control chromosomes. This frequency is not significantly higher than estimated for disease-causing variants in TNXB, allowing no conclusion about variant significance. To our knowledge, no occurrence of c.9739G>A in individuals affected with TNXB-related conditions and no experimental evidence demonstrating its impact on protein function have been reported. ClinVar contains an entry for this variant (Variation ID: 1302872). Based on the evidence outlined above, the variant was classified as uncertain significance.

Ambry Genetics
Classification: Likely benign for Cardiovascular phenotype. Last evaluated: 2024-12-24. Review status: criteria provided, single submitter. Criteria: Ambry Variant Classification Scheme 2023. Collection method: clinical testing. Allele origin: germline.

GeneDx
Classification: Uncertain significance. Last evaluated: 2024-07-24. Review status: criteria provided, single submitter. Criteria: GeneDx Variant Classification Process June 2021. Collection method: clinical testing. Allele origin: germline. Affected: yes.
Comment: Has not been previously published as pathogenic or benign to our knowledge; In silico analysis indicates that this missense variant does not alter protein structure/function